The following is an entry in ClinVar:

ClinVar aggregate classification (germline): Likely benign. Review status: criteria provided, multiple submitters, no conflicts (2 of 4 stars). 2 submissions from 2 submitters: Likely benign (2). Last evaluated 2023-02-06.

Conditions:
Bardet-Biedl syndrome (BBS). Identifiers: Orphanet 110, MedGen C0752166, MONDO:0015229.

Allele frequency attached by ClinVar (database versions not stated): gnomAD exomes below 0.00001; TOPMed 0.00001.
gnomAD v4.1: 7 of 1,614,196 alleles (0.00043%); highest among the groups gnomAD compares: African/African-American, 0.0053%; no homozygotes.

Submissions (2):

Labcorp Genetics (formerly Invitae), Labcorp
Classification: Likely benign for Bardet-Biedl syndrome. Last evaluated: 2023-02-06. Review status: criteria provided, single submitter. Criteria: Invitae Variant Classification Sherloc (09022015). Collection method: clinical testing. Allele origin: germline.

GeneDx
Classification: Likely benign. Last evaluated: 2018-03-13. Review status: criteria provided, single submitter. Criteria: GeneDx Variant Classification (06012015). Collection method: clinical testing. Allele origin: germline. Affected: yes.
Comment: This variant is considered likely benign or benign based on one or more of the following criteria: it is a conservative change, it occurs at a poorly conserved position in the protein, it is predicted to be benign by multiple in silico algorithms, and/or has population frequency not consistent with disease.

NM_012210.4(TRIM32):c.1194T>C (p.Phe398=)

Genes: ASTN2 (astrotactin 2; minus strand), TRIM32 (tripartite motif containing 32; plus strand). Cytogenetic location: 9q33.1.
Variant type: single nucleotide variant.
Coding change: c.1194T>C on transcript NM_012210.4 (MANE Select); coding-DNA position 1194, T replaced by C.
Protein change: p.Phe398=; no amino-acid change (phenylalanine 398 retained).
Molecular consequence: synonymous variant. On other transcripts: intron variant (3).
Genome position (GRCh38, 1-based): chr9:116,698,936, T>C. VCF-style: chr9-116698936-T-C. GRCh37 (hg19) VCF-style: chr9-119461215-T-C.
Other names: c.1194T>C, p.Phe398= (NM_001099679.2, NM_001379048.1, NM_001379049.1 and 1 more transcripts); c.2653+26835A>G (NM_014010.5); c.2794+26835A>G (NM_001365069.1); c.2806+26835A>G (NM_001365068.1).
Identifiers: ClinVar variation 516022 (VCV000516022.8), dbSNP rs980926202, ClinGen allele CA198770642.